The following is an entry in ClinVar:

ClinVar aggregate classification (germline): Uncertain significance (1 of 4 stars; one submission).

Conditions:
Autosomal dominant nonsyndromic hearing loss 1. Also called: DEAFNESS, AUTOSOMAL DOMINANT 1, WITH OR WITHOUT THROMBOCYTOPENIA; KONIGSMARK SYNDROME. Identifiers: Orphanet 90635, MedGen C1852282, MONDO:0007424, OMIM 124900.
Progressive microcephaly-seizures-cortical blindness-developmental delay syndrome. Also called: Seizures, cortical blindness, and microcephaly syndrome. Identifiers: Orphanet 477814, MedGen C5567650, MONDO:0014714, OMIM 616632.

Submission:

Labcorp Genetics (formerly Invitae), Labcorp
Classification: Uncertain significance for Progressive microcephaly-seizures-cortical blindness-developmental delay syndrome; Autosomal dominant nonsyndromic hearing loss 1. Last evaluated: 2023-11-20. Review status: criteria provided, single submitter. Criteria: Invitae Variant Classification Sherloc (09022015). Collection method: clinical testing. Allele origin: germline.
Comment: This sequence change replaces phenylalanine, which is neutral and non-polar, with serine, which is neutral and polar, at codon 1212 of the DIAPH1 protein (p.Phe1212Ser). This variant is not present in population databases (gnomAD no frequency). This variant has not been reported in the literature in individuals affected with DIAPH1-related conditions. An algorithm developed to predict the effect of missense changes on protein structure and function (PolyPhen-2) suggests that this variant is likely to be disruptive. In summary, the available evidence is currently insufficient to determine the role of this variant in disease. Therefore, it has been classified as a Variant of Uncertain Significance.

NM_005219.5(DIAPH1):c.3635T>C (p.Phe1212Ser)

Gene: DIAPH1 (diaphanous related formin 1; minus strand). Cytogenetic location: 5q31.3.
Variant type: single nucleotide variant.
Coding change: c.3635T>C on transcript NM_005219.5 (MANE Select); coding-DNA position 3635, T replaced by C.
Protein change: p.Phe1212Ser; replaces phenylalanine 1212 with serine.
Molecular consequence: missense variant.
Genome position (GRCh38, 1-based): chr5:141,524,169, A>G on the plus strand (T>C on the coding strand, the complement: DIAPH1 is on the minus strand). VCF-style: chr5-141524169-A-G. GRCh37 (hg19) VCF-style: chr5-140903736-A-G.
Other names: c.3608T>C, p.Phe1203Ser (NM_001079812.3); c.3635T>C, p.Phe1212Ser (NM_001314007.2); short protein forms F1203S, F1212S.
Identifiers: ClinVar variation 2954076 (VCV002954076.3), dbSNP rs2513612973, ClinGen allele CA361575229.